The following is an entry in ClinVar:

ClinVar aggregate classification (germline): Conflicting classifications of pathogenicity. Review status: criteria provided, conflicting classifications (1 of 4 stars). 3 submissions from 3 submitters: Likely pathogenic (2); Uncertain significance (1). Last evaluated 2026-03-10.

Conditions:
Waardenburg syndrome type 1 (WS1). Also called: WAARDENBURG SYNDROME WITH DYSTOPIA CANTHORUM; Waardenburg Syndrome Type I. Identifiers: Orphanet 894, MedGen C1847800, MONDO:0008670, OMIM 193500.

Submissions (3):

GeneDx
Classification: Likely pathogenic. Last evaluated: 2026-03-10. Review status: criteria provided, single submitter. Criteria: GeneDx Variant Classification Process June 2021. Collection method: clinical testing. Allele origin: germline.
Comment: Reported in a patient with Waardenburg syndrome in published literature (PMID: 25991456); however, clinical information was not provided; Not observed at significant frequency in large population cohorts (gnomAD); In silico analysis supports that this missense variant has a deleterious effect on protein structure/function; This variant is associated with the following publications: (PMID: 25991456)

Labcorp Genetics (formerly Invitae), Labcorp
Classification: Likely pathogenic. Last evaluated: 2023-03-23. Review status: criteria provided, single submitter. Criteria: Invitae Variant Classification Sherloc (09022015). Collection method: clinical testing. Allele origin: germline.
Comment: This sequence change replaces glycine, which is neutral and non-polar, with cysteine, which is neutral and slightly polar, at codon 81 of the PAX3 protein (p.Gly81Cys). This variant is not present in population databases (gnomAD no frequency). In summary, the currently available evidence indicates that the variant is pathogenic, but additional data are needed to prove that conclusively. Therefore, this variant has been classified as Likely Pathogenic. This variant disrupts the p.Gly81 amino acid residue in PAX3. Other variant(s) that disrupt this residue have been observed in individuals with PAX3-related conditions (PMID: 8490648, 20127975; Invitae), which suggests that this may be a clinically significant amino acid residue. Advanced modeling of protein sequence and biophysical properties (such as structural, functional, and spatial information, amino acid conservation, physicochemical variation, residue mobility, and thermodynamic stability) performed at Invitae indicates that this missense variant is expected to disrupt PAX3 protein function. ClinVar contains an entry for this variant (Variation ID: 133308). This missense change has been observed in individual(s) with Waardenburg syndrome (PMID: 25991456).

Molecular Genetics Laboratory; Baylor College of Medicine
Classification: Uncertain significance. Review status: criteria provided, single submitter. Criteria: Submitter's publication. Collection method: not provided. Allele origin: unknown.
ClinVar note: Converted during submission from unknown to Uncertain significance.

Literature cited by the submitters: PubMed 8490648 (cited by Labcorp Genetics (formerly Invitae), Labcorp); PubMed 20127975 (cited by Labcorp Genetics (formerly Invitae), Labcorp); PubMed 25991456 (cited by Labcorp Genetics (formerly Invitae), Labcorp).

NM_181458.4(PAX3):c.241G>T (p.Gly81Cys)

Gene: PAX3 (paired box 3; minus strand). Cytogenetic location: 2q36.1.
Variant type: single nucleotide variant.
Coding change: c.241G>T on transcript NM_181458.4 (MANE Select); coding-DNA position 241, G replaced by T.
Protein change: p.Gly81Cys; replaces glycine 81 with cysteine.
Molecular consequence: missense variant.
Genome position (GRCh38, 1-based): chr2:222,297,058, C>A on the plus strand (G>T on the coding strand, the complement: PAX3 is on the minus strand). VCF-style: chr2-222297058-C-A. GRCh37 (hg19) VCF-style: chr2-223161777-C-A.
Other names: c.241G>T, p.Gly81Cys (NM_000438.6, NM_001127366.3, NM_013942.5 and 4 more transcripts); short protein forms G81C.
Identifiers: ClinVar variation 133308 (VCV000133308.10), dbSNP rs483353059, ClinGen allele CA269911.
Genomic context (GRCh38, chr2:222,297,058, plus strand): 5'-TGGCACCAGGACGTATGGAGCCAGTCTCCTGGTACCTGCACAGGATCTTGGAGACGCAGC[C>A]GTGGGACACGCGCAGCTGGCGCGAGATGACGCAGGGCCGGATGCCGTGGTGGGCCATCTC-3'
Protein context (NP_852123.1, residues 71-91): VISRQLRVSH[Gly81Cys]CVSKILCRYQ